The following is an entry in ClinVar:

NC_000020.10:g.(?_61448417)_(61472084_?)dup

Gene: COL9A3 (collagen type IX alpha 3 chain; plus strand). Cytogenetic location: 20q13.33.
Variant type: Duplication.
Identifiers: ClinVar variation 2424268 (VCV002424268.3).

ClinVar aggregate classification (germline): Uncertain significance (1 of 4 stars; one submission).

Submission:

Labcorp Genetics (formerly Invitae), Labcorp
Classification: Uncertain significance. Last evaluated: 2022-03-11. Review status: criteria provided, single submitter. Criteria: Invitae Variant Classification Sherloc (09022015). Collection method: clinical testing. Allele origin: germline.
Comment: A copy number gain of the genomic region encompassing the full coding sequence of the COL9A3 gene has been identified. The boundaries of this event are unknown as they extend beyond the assayed region for this gene and therefore may encompass additional genes. As the precise location of this event is unknown, it may be in tandem or it may be located elsewhere in the genome. This variant has not been reported in the literature in individuals affected with COL9A3-related conditions. In summary, the available evidence is currently insufficient to determine the role of this variant in disease. Therefore, it has been classified as a Variant of Uncertain Significance.